The following is an entry in ClinVar:

ClinVar aggregate classification (germline): Uncertain significance (1 of 4 stars; one submission).

Submission:

Labcorp Genetics (formerly Invitae), Labcorp
Classification: Uncertain significance. Last evaluated: 2022-08-19. Review status: criteria provided, single submitter. Criteria: Invitae Variant Classification Sherloc (09022015). Collection method: clinical testing. Allele origin: germline.
Comment: This sequence change replaces threonine, which is neutral and polar, with proline, which is neutral and non-polar, at codon 61 of the CACNA2D4 protein (p.Thr61Pro). This variant is not present in population databases (gnomAD no frequency). This variant has not been reported in the literature in individuals affected with CACNA2D4-related conditions. Algorithms developed to predict the effect of missense changes on protein structure and function are either unavailable or do not agree on the potential impact of this missense change (SIFT: "Deleterious"; PolyPhen-2: "Benign"; Align-GVGD: "Class C0"). In summary, the available evidence is currently insufficient to determine the role of this variant in disease. Therefore, it has been classified as a Variant of Uncertain Significance.

NM_172364.5(CACNA2D4):c.181A>C (p.Thr61Pro)

Gene: CACNA2D4 (calcium voltage-gated channel auxiliary subunit alpha2delta 4; minus strand). Cytogenetic location: 12p13.33.
Variant type: single nucleotide variant.
Coding change: c.181A>C on transcript NM_172364.5 (MANE Select); coding-DNA position 181, A replaced by C.
Protein change: p.Thr61Pro; replaces threonine 61 with proline.
Molecular consequence: missense variant.
Genome position (GRCh38, 1-based): chr12:1,918,293, T>G on the plus strand (A>C on the coding strand, the complement: CACNA2D4 is on the minus strand). VCF-style: chr12-1918293-T-G. GRCh37 (hg19) VCF-style: chr12-2027459-T-G.
Other names: short protein forms T61P.
Identifiers: ClinVar variation 1716879 (VCV001716879.5), dbSNP rs1592758393, ClinGen allele CA383366006.